The following is an entry in ClinVar:

NM_144643.4(SCLT1):c.1517G>T (p.Cys506Phe)

Gene: SCLT1 (sodium channel and clathrin linker 1; minus strand). Cytogenetic location: 4q28.2.
Variant type: single nucleotide variant.
Coding change: c.1517G>T on transcript NM_144643.4 (MANE Select); coding-DNA position 1517, G replaced by T.
Protein change: p.Cys506Phe; replaces cysteine 506 with phenylalanine.
Molecular consequence: missense variant.
Genome position (GRCh38, 1-based): chr4:128,943,111, C>A on the plus strand (G>T on the coding strand, the complement: SCLT1 is on the minus strand). VCF-style: chr4-128943111-C-A. GRCh37 (hg19) VCF-style: chr4-129864266-C-A.
Other names: short protein forms C506F.
Identifiers: ClinVar variation 1939447 (VCV001939447.5), dbSNP rs764001067, ClinGen allele CA3079596.

ClinVar aggregate classification (germline): Uncertain significance (1 of 4 stars; one submission).

Allele frequency attached by ClinVar (database versions not stated): ExAC 0.00001.
gnomAD v4.1: 11 of 1,612,694 alleles (0.00068%); highest among the groups gnomAD compares: Non-Finnish European, 0.00093%; no homozygotes.

Submission:

Labcorp Genetics (formerly Invitae), Labcorp
Classification: Uncertain significance. Last evaluated: 2022-07-24. Review status: criteria provided, single submitter. Criteria: Invitae Variant Classification Sherloc (09022015). Collection method: clinical testing. Allele origin: germline.
Comment: In summary, the available evidence is currently insufficient to determine the role of this variant in disease. Therefore, it has been classified as a Variant of Uncertain Significance. Algorithms developed to predict the effect of missense changes on protein structure and function are either unavailable or do not agree on the potential impact of this missense change (SIFT: "Deleterious"; PolyPhen-2: "Probably Damaging"; Align-GVGD: "Class C15"). This variant has not been reported in the literature in individuals affected with SCLT1-related conditions. The frequency data for this variant in the population databases is considered unreliable, as metrics indicate poor data quality at this position in the gnomAD database. This sequence change replaces cysteine, which is neutral and slightly polar, with phenylalanine, which is neutral and non-polar, at codon 506 of the SCLT1 protein (p.Cys506Phe).